The following is an entry in ClinVar:

NC_000012.12:g.(?_827032)_(862280_?)dup

Gene: WNK1 (WNK lysine deficient protein kinase 1; plus strand). Cytogenetic location: 12p13.33.
Variant type: Duplication.
Identifiers: ClinVar variation 832199 (VCV000832199.2).

ClinVar aggregate classification (germline): Likely pathogenic (1 of 4 stars; one submission).

Conditions:
Pseudohypoaldosteronism type 2C (PHA2C). Also called: Pseudohypoaldosteronism Type IIC. Identifiers: Orphanet 757, Orphanet 88940, MedGen C1840391, MONDO:0013778, OMIM 614492.
Neuropathy, hereditary sensory and autonomic, type 2A (HSAN2A). Also called: MORVAN DISEASE; NEUROPATHY, CONGENITAL SENSORY; NEUROPATHY, HEREDITARY SENSORY RADICULAR, AUTOSOMAL RECESSIVE; NEUROPATHY, HEREDITARY SENSORY, TYPE IIA; NEUROPATHY, PROGRESSIVE SENSORY, OF CHILDREN; WNK1-Related HSAN2 (HSAN2A). Identifiers: Orphanet 970, MedGen C2752089, MONDO:0024309, OMIM 201300.

Submission:

Labcorp Genetics (formerly Invitae), Labcorp
Classification: Likely pathogenic for Neuropathy, hereditary sensory and autonomic, type 2A; Pseudohypoaldosteronism type 2C. Last evaluated: 2019-05-02. Review status: criteria provided, single submitter. Criteria: Invitae Variant Classification Sherloc (09022015). Collection method: clinical testing. Allele origin: germline.
Comment: This variant results in a copy number gain of the genomic region encompassing exons 3-8 of the WNK1 gene. While the exact position of this variant cannot be determined from this data, sub-genic copy number gains are generally in tandem (PMID: 25640679) and may result in an absent or disrupted protein product. This variant has not been reported in the literature in individuals with WNK1-related conditions. Loss-of-function variants in WNK1 are known to be pathogenic (PMID: 22910560). In summary, the currently available evidence indicates that the variant is pathogenic, but additional data are needed to prove that conclusively. Therefore, this variant has been classified as Likely Pathogenic.

Literature cited by the submitters: PubMed 25640679; PubMed 22910560.